The following is an entry in ClinVar:

ClinVar aggregate classification (germline): Pathogenic (1 of 4 stars; one submission).

Conditions:
Gorlin syndrome. Also called: Nevoid Basal Cell Carcinoma Syndrome; Basal cell nevus syndrome. Identifiers: Orphanet 377, MedGen C0004779, MONDO:0007187.

Submission:

Labcorp Genetics (formerly Invitae), Labcorp
Classification: Pathogenic for Gorlin syndrome. Last evaluated: 2025-06-17. Review status: criteria provided, single submitter. Criteria: Invitae Variant Classification Sherloc (09022015). Collection method: clinical testing. Allele origin: germline.
Comment: This sequence change creates a premature translational stop signal (p.Asn386Thrfs*46) in the PTCH1 gene. It is expected to result in an absent or disrupted protein product. Loss-of-function variants in PTCH1 are known to be pathogenic (PMID: 16301862, 16419085). This variant is not present in population databases (gnomAD no frequency). This variant has not been reported in the literature in individuals affected with PTCH1-related conditions. ClinVar contains an entry for this variant (Variation ID: 409211). For these reasons, this variant has been classified as Pathogenic.

Literature cited by the submitters: PubMed 16301862; PubMed 16419085.

NM_000264.5(PTCH1):c.1155del (p.Asn386fs)

Gene: PTCH1 (patched 1; minus strand). Cytogenetic location: 9q22.32.
Variant type: Deletion.
Coding change: c.1155del on transcript NM_000264.5 (MANE Select); coding-DNA position 1155, one base deleted (C; older notation c.1155delC).
Protein change: p.Asn386fs; shifts the reading frame from asparagine 386.
Molecular consequence: frameshift variant. On other transcripts: non-coding transcript variant (1).
Genome position (GRCh38, 1-based): chr9:95,479,060, G deleted on the plus strand (C on the coding strand, the reverse complement: PTCH1 is on the minus strand). VCF-style (leftmost placement, unchanged base first): chr9-95479059-TG-T. GRCh37 (hg19) VCF-style: chr9-98241341-TG-T.
Other names: c.957del, p.Asn320fs (NM_001083602.3); c.1152del, p.Asn385fs (NM_001083603.3); c.702del, p.Asn235fs (NM_001083604.3, NM_001083605.3, NM_001083606.3 and 1 more transcripts); c.1155del, p.Asn386fs (NM_001354918.2); short protein forms N235fs, N385fs, N386fs, N320fs.
Identifiers: ClinVar variation 409211 (VCV000409211.7), dbSNP rs1060502297, ClinGen allele CA16612686.